The following is an entry in ClinVar:

NM_000631.5(NCF4):c.539A>C (p.Asp180Ala)

Gene: NCF4 (neutrophil cytosolic factor 4; plus strand). Cytogenetic location: 22q12.3.
Variant type: single nucleotide variant.
Coding change: c.539A>C on transcript NM_000631.5 (MANE Select); coding-DNA position 539, A replaced by C.
Protein change: p.Asp180Ala; replaces aspartic acid 180 with alanine.
Molecular consequence: missense variant.
Genome position (GRCh38, 1-based): chr22:36,872,337, A>C. VCF-style: chr22-36872337-A-C. GRCh37 (hg19) VCF-style: chr22-37268379-A-C.
Other names: c.539A>C, p.Asp180Ala (NM_013416.4); short protein forms D180A.
Identifiers: ClinVar variation 655016 (VCV000655016.9), dbSNP rs1601553436, ClinGen allele CA411385521.

ClinVar aggregate classification (germline): Uncertain significance (1 of 4 stars; one submission).

Conditions:
Granulomatous disease, chronic, autosomal recessive, cytochrome b-positive, type 3. Also called: GRANULOMATOUS DISEASE, CHRONIC, DUE TO NCF4 DEFICIENCY; Granulomatous disease, chronic, autosomal recessive, cytochrome b-positive, type III; GRANULOMATOUS DISEASE, CHRONIC, AUTOSOMAL RECESSIVE, 3; CGD, AUTOSOMAL RECESSIVE CYTOCHROME b-POSITIVE, TYPE III. Identifiers: Orphanet 379, MedGen C3151409, MONDO:0013507, OMIM 613960.

Allele frequency attached by ClinVar (database versions not stated): gnomAD exomes below 0.00001.
gnomAD v4.1: 1 of 1,607,548 alleles (0.000062%); highest among the groups gnomAD compares: Admixed American, 0.0017%; no homozygotes.

Submission:

Labcorp Genetics (formerly Invitae), Labcorp
Classification: Uncertain significance for Granulomatous disease, chronic, autosomal recessive, cytochrome b-positive, type 3. Last evaluated: 2022-12-02. Review status: criteria provided, single submitter. Criteria: Invitae Variant Classification Sherloc (09022015). Collection method: clinical testing. Allele origin: germline.
Comment: In summary, the available evidence is currently insufficient to determine the role of this variant in disease. Therefore, it has been classified as a Variant of Uncertain Significance. Algorithms developed to predict the effect of missense changes on protein structure and function are either unavailable or do not agree on the potential impact of this missense change (SIFT: "Deleterious"; PolyPhen-2: "Possibly Damaging"; Align-GVGD: "Class C0"). ClinVar contains an entry for this variant (Variation ID: 655016). This variant has not been reported in the literature in individuals affected with NCF4-related conditions. This variant is not present in population databases (gnomAD no frequency). This sequence change replaces aspartic acid, which is acidic and polar, with alanine, which is neutral and non-polar, at codon 180 of the NCF4 protein (p.Asp180Ala).